The following is an entry in ClinVar:

NM_144997.7(FLCN):c.1568A>G (p.Lys523Arg)

Gene: FLCN (folliculin; minus strand). Cytogenetic location: 17p11.2.
Variant type: single nucleotide variant.
Coding change: c.1568A>G on transcript NM_144997.7 (MANE Select); coding-DNA position 1568, A replaced by G.
Protein change: p.Lys523Arg; replaces lysine 523 with arginine.
Molecular consequence: missense variant.
Genome position (GRCh38, 1-based): chr17:17,213,827, T>C on the plus strand (A>G on the coding strand, the complement: FLCN is on the minus strand). VCF-style: chr17-17213827-T-C. GRCh37 (hg19) VCF-style: chr17-17117141-T-C.
Other names: c.1568A>G (NM_144997.5); c.1622A>G, p.Lys541Arg (NM_001353229.2); c.1568A>G, p.Lys523Arg (NM_001353230.2, NM_001353231.2); short protein forms K541R, K523R.
Identifiers: ClinVar variation 1353855 (VCV001353855.9), dbSNP rs980319370, ClinGen allele CA288303741.

ClinVar aggregate classification (germline): Uncertain significance. Review status: criteria provided, multiple submitters, no conflicts (2 of 4 stars). 3 submissions from 3 submitters: Uncertain significance (3). Last evaluated 2024-07-06.

Conditions:
Birt-Hogg-Dube syndrome. Also called: Birt Hogg Dubé syndrome. Identifiers: Orphanet 122, MedGen C0346010, MONDO:0800444.
Hereditary cancer-predisposing syndrome. Also called: Hereditary Cancer Syndrome; Hereditary neoplastic syndrome; Tumor predisposition; Neoplastic Syndromes, Hereditary. Identifiers: Orphanet 140162, MedGen C0027672, MeSH D009386, MONDO:0015356.

Allele frequency attached by ClinVar (database versions not stated): gnomAD exomes below 0.00001; TOPMed 0.00001; gnomAD 0.00002.
gnomAD v4.1: 4 of 1,614,090 alleles (0.00025%); highest among the groups gnomAD compares: African/African-American, 0.004%; no homozygotes.

Submissions (3):

Ambry Genetics
Classification: Uncertain significance for Hereditary cancer-predisposing syndrome. Last evaluated: 2024-07-06. Review status: criteria provided, single submitter. Criteria: Ambry Variant Classification Scheme 2023. Collection method: clinical testing. Allele origin: germline.
Comment: The p.K523R variant (also known as c.1568A>G), located in coding exon 11 of the FLCN gene, results from an A to G substitution at nucleotide position 1568. The lysine at codon 523 is replaced by arginine, an amino acid with highly similar properties. This amino acid position is highly conserved in available vertebrate species. In addition, the in silico prediction for this alteration is inconclusive. Based on the available evidence, the clinical significance of this variant remains unclear.

GeneDx
Classification: Uncertain significance. Last evaluated: 2023-06-27. Review status: criteria provided, single submitter. Criteria: GeneDx Variant Classification Process June 2021. Collection method: clinical testing. Allele origin: germline. Affected: yes.
Comment: In silico analysis supports that this missense variant does not alter protein structure/function; In silico analysis suggests this variant may impact gene splicing. In the absence of RNA/functional studies, the actual effect of this sequence change is unknown.; Has not been previously published as pathogenic or benign to our knowledge; This variant is associated with the following publications: (PMID: 17028174)

Labcorp Genetics (formerly Invitae), Labcorp
Classification: Uncertain significance for Birt-Hogg-Dube syndrome. Last evaluated: 2021-08-06. Review status: criteria provided, single submitter. Criteria: Invitae Variant Classification Sherloc (09022015). Collection method: clinical testing. Allele origin: germline.
Comment: In summary, the available evidence is currently insufficient to determine the role of this variant in disease. Therefore, it has been classified as a Variant of Uncertain Significance. Algorithms developed to predict the effect of sequence changes on RNA splicing suggest that this variant may create or strengthen a splice site. Algorithms developed to predict the effect of missense changes on protein structure and function (SIFT, PolyPhen-2, Align-GVGD) all suggest that this variant is likely to be tolerated. This variant has not been reported in the literature in individuals affected with FLCN-related conditions. This variant is not present in population databases (ExAC no frequency). This sequence change replaces lysine with arginine at codon 523 of the FLCN protein (p.Lys523Arg). The lysine residue is highly conserved and there is a small physicochemical difference between lysine and arginine.